The following is an entry in ClinVar:

NM_000052.7(ATP7A):c.121-14T>G

Gene: ATP7A (ATPase copper transporting alpha; plus strand). Cytogenetic location: Xq21.1.
Variant type: single nucleotide variant.
Coding change: c.121-14T>G on transcript NM_000052.7 (MANE Select); 14 bases into the intron before coding-DNA position 121, T replaced by G.
Molecular consequence: intron variant.
Genome position (GRCh38, 1-based): chrX:77,988,228, T>G. VCF-style: chrX-77988228-T-G. GRCh37 (hg19) VCF-style: chrX-77243724-T-G.
Other names: c.121-14T>G (NM_001282224.2).
Identifiers: ClinVar variation 2929411 (VCV002929411.3), dbSNP rs2522288601, ClinGen allele CA2579650088.
Genomic context (GRCh38, chrX:77,988,228, plus strand): 5'-GTGTGATGATTATTATTTTAAATCCTGTGTGATAGAATTTAATTAAACTGACTTTTGGAA[T>G]TTCCTTCCAAAAGGTATCACTGGAAGAAAAAAATGCAACTATTATTTATGACCCTAAACT-3'

ClinVar aggregate classification (germline): Uncertain significance (1 of 4 stars; one submission).

Conditions:
Menkes kinky-hair syndrome (MNK). Also called: Copper transport disease; Menkes Disease; Classic Menkes Disease. Identifiers: Orphanet 565, MedGen C0022716, MONDO:0010651, OMIM 309400.
Cutis laxa, X-linked (OHS). Also called: EDS IX; Occipital horn syndrome. Identifiers: Orphanet 198, MedGen C0268353, MONDO:0010572, OMIM 304150.
X-linked distal spinal muscular atrophy type 3. Also called: ATP7A-Related Distal Motor Neuropathy; SPINAL MUSCULAR ATROPHY, DISTAL, X-LINKED RECESSIVE; NEURONOPATHY, DISTAL HEREDITARY MOTOR, X-LINKED; NEUROPATHY, DISTAL HEREDITARY MOTOR, X-LINKED. Identifiers: Orphanet 139557, MedGen C1845359, MONDO:0010338, OMIM 300489.

Allele frequency attached by ClinVar (database versions not stated): gnomAD exomes below 0.00001.
gnomAD v4.1: 3 of 1,197,652 alleles (0.00025%); highest among the groups gnomAD compares: Non-Finnish European, 0.00034%; no homozygotes.

Submission:

Labcorp Genetics (formerly Invitae), Labcorp
Classification: Uncertain significance for X-linked distal spinal muscular atrophy type 3; Cutis laxa, X-linked; Menkes kinky-hair syndrome. Last evaluated: 2025-02-17. Review status: criteria provided, single submitter. Criteria: Invitae Variant Classification Sherloc (09022015). Collection method: clinical testing. Allele origin: germline.
Comment: This sequence change falls in intron 2 of the ATP7A gene. It does not directly change the encoded amino acid sequence of the ATP7A protein. This variant is not present in population databases (gnomAD no frequency). This variant has not been reported in the literature in individuals affected with ATP7A-related conditions. ClinVar contains an entry for this variant (Variation ID: 2929411). Algorithms developed to predict the effect of sequence changes on RNA splicing suggest that this variant may disrupt the consensus splice site. In summary, the available evidence is currently insufficient to determine the role of this variant in disease. Therefore, it has been classified as a Variant of Uncertain Significance.